The following is an entry in ClinVar:

NM_001130009.3(GEN1):c.2065C>G (p.Leu689Val)

Gene: GEN1 (GEN1 structure-specific endonuclease; plus strand). Cytogenetic location: 2p24.2.
Variant type: single nucleotide variant.
Coding change: c.2065C>G on transcript NM_001130009.3 (MANE Select); coding-DNA position 2065, C replaced by G.
Protein change: p.Leu689Val; replaces leucine 689 with valine.
Molecular consequence: missense variant.
Genome position (GRCh38, 1-based): chr2:17,781,277, C>G. VCF-style: chr2-17781277-C-G. GRCh37 (hg19) VCF-style: chr2-17962544-C-G.
Other names: c.2065C>G (NM_001130009.1); c.2065C>G, p.Leu689Val (NM_182625.5); short protein forms L689V.
Identifiers: ClinVar variation 2171756 (VCV002171756.6), dbSNP rs773253388, ClinGen allele CA1540885.

ClinVar aggregate classification (germline): Conflicting classifications of pathogenicity. Review status: criteria provided, conflicting classifications (1 of 4 stars). 2 submissions from 2 submitters: Uncertain significance (1); Likely benign (1). Last evaluated 2024-11-22.

Allele frequency attached by ClinVar (database versions not stated): ExAC 0.00001; gnomAD 0.00002; TOPMed 0.00002.
gnomAD v4.1: 19 of 1,613,442 alleles (0.0012%); highest among the groups gnomAD compares: Non-Finnish European, 0.0015%; no homozygotes.

Submissions (2):

Ambry Genetics
Classification: Likely benign. Last evaluated: 2024-11-22. Review status: criteria provided, single submitter. Criteria: Ambry Variant Classification Scheme 2023. Collection method: clinical testing. Allele origin: germline.

Labcorp Genetics (formerly Invitae), Labcorp
Classification: Uncertain significance. Last evaluated: 2022-01-24. Review status: criteria provided, single submitter. Criteria: Invitae Variant Classification Sherloc (09022015). Collection method: clinical testing. Allele origin: germline.
Comment: This sequence change replaces leucine, which is neutral and non-polar, with valine, which is neutral and non-polar, at codon 689 of the GEN1 protein (p.Leu689Val). This variant is present in population databases (rs773253388, gnomAD 0.003%). This variant has not been reported in the literature in individuals affected with GEN1-related conditions. Algorithms developed to predict the effect of missense changes on protein structure and function output the following: SIFT: "Tolerated"; PolyPhen-2: "Benign"; Align-GVGD: "Class C0". The valine amino acid residue is found in multiple mammalian species, which suggests that this missense change does not adversely affect protein function. In summary, the available evidence is currently insufficient to determine the role of this variant in disease. Therefore, it has been classified as a Variant of Uncertain Significance.